The following is an entry in ClinVar:

NM_015073.3(SIPA1L3):c.2803C>A (p.His935Asn)

Gene: SIPA1L3 (signal induced proliferation associated 1 like 3; plus strand). Cytogenetic location: 19q13.13.
Variant type: single nucleotide variant.
Coding change: c.2803C>A on transcript NM_015073.3 (MANE Select); coding-DNA position 2803, C replaced by A.
Protein change: p.His935Asn; replaces histidine 935 with asparagine.
Molecular consequence: missense variant.
Genome position (GRCh38, 1-based): chr19:38,119,817, C>A. VCF-style: chr19-38119817-C-A. GRCh37 (hg19) VCF-style: chr19-38610457-C-A.
Other names: short protein forms H935N.
Identifiers: ClinVar variation 2854021 (VCV002854021.3), dbSNP rs192185184, ClinGen allele CA9409777.

ClinVar aggregate classification (germline): Uncertain significance (1 of 4 stars; one submission).

Allele frequency attached by ClinVar (database versions not stated): ExAC 0.00004; gnomAD 0.00013; TOPMed 0.00013; 1000 Genomes Project 30x 0.00016; 1000 Genomes Project 0.00020.
gnomAD v4.1: 36 of 1,613,614 alleles (0.0022%); highest among the groups gnomAD compares: African/African-American, 0.045%; no homozygotes.

Submission:

Labcorp Genetics (formerly Invitae), Labcorp
Classification: Uncertain significance. Last evaluated: 2024-02-23. Review status: criteria provided, single submitter. Criteria: Invitae Variant Classification Sherloc (09022015). Collection method: clinical testing. Allele origin: germline.
Comment: This sequence change replaces histidine, which is basic and polar, with asparagine, which is neutral and polar, at codon 935 of the SIPA1L3 protein (p.His935Asn). This variant is present in population databases (rs192185184, gnomAD 0.05%). This variant has not been reported in the literature in individuals affected with SIPA1L3-related conditions. An algorithm developed to predict the effect of missense changes on protein structure and function (PolyPhen-2) suggests that this variant is likely to be tolerated. In summary, the available evidence is currently insufficient to determine the role of this variant in disease. Therefore, it has been classified as a Variant of Uncertain Significance.